The following is an entry in ClinVar:

ClinVar aggregate classification (germline): Likely pathogenic (1 of 4 stars; one submission).

Conditions:
IMAGe syndrome. Also called: Intrauterine growth retardation, metaphyseal dysplasia, adrenal hypoplasia congenita, and genital anomalies; Intrauterine Growth Restriction, Metaphyseal Dysplasia, Adrenal Hypoplasia Congenita, and Genital Anomalies. Identifiers: Orphanet 85173, MedGen C1846009, MONDO:0013873, OMIM 614732.
Beckwith-Wiedemann syndrome (BWS). Also called: Exomphalos macroglossia gigantism syndrome; EMG SYNDROME. Identifiers: Orphanet 116, MedGen C0004903, MONDO:0007534, OMIM 130650.

Submission:

Juno Genomics, Hangzhou Juno Genomics, Inc
Classification: Likely pathogenic for Beckwith-Wiedemann syndrome; IMAGe syndrome. Review status: criteria provided, single submitter. Criteria: ACMG Guidelines, 2015. Collection method: clinical testing. Allele origin: germline. Affected: yes.
Comment: Absent from controls (or at extremely low frequency if recessive) in Genome Aggregation Database, Exome Sequencing Project, 1000 Genomes Project, or Exome Aggregation Consortium.;Null variant in a gene where loss of function (LOF) is a known mechanism of disease.

NM_001122630.2(CDKN1C):c.166C>T (p.Gln56Ter)

Gene: CDKN1C (cyclin dependent kinase inhibitor 1C; minus strand). Cytogenetic location: 11p15.4.
Variant type: single nucleotide variant.
Coding change: c.166C>T on transcript NM_001122630.2 (MANE Select); coding-DNA position 166, C replaced by T.
Protein change: p.Gln56Ter; replaces glutamine 56 with a stop codon.
Molecular consequence: nonsense.
Genome position (GRCh38, 1-based): chr11:2,885,291, G>A on the plus strand (C>T on the coding strand, the complement: CDKN1C is on the minus strand). VCF-style: chr11-2885291-G-A. GRCh37 (hg19) VCF-style: chr11-2906521-G-A.
Other names: c.199C>T, p.Gln67Ter (NM_000076.2, NM_001362474.2); c.166C>T, p.Gln56Ter (NM_001122631.2, NM_001362475.2); short protein forms Q56*, Q67*.
Identifiers: ClinVar variation 3382664 (VCV003382664.2).